The following is an entry in ClinVar:

NM_001184880.2(PCDH19):c.48G>T (p.Trp16Cys)

Gene: PCDH19 (protocadherin 19; minus strand). Cytogenetic location: Xq22.1.
Variant type: single nucleotide variant.
Coding change: c.48G>T on transcript NM_001184880.2 (MANE Select); coding-DNA position 48, G replaced by T.
Protein change: p.Trp16Cys; replaces tryptophan 16 with cysteine.
Molecular consequence: missense variant.
Genome position (GRCh38, 1-based): chrX:100,408,550, C>A on the plus strand (G>T on the coding strand, the complement: PCDH19 is on the minus strand). VCF-style: chrX-100408550-C-A. GRCh37 (hg19) VCF-style: chrX-99663548-C-A.
Other names: c.48G>T, p.Trp16Cys (NM_001105243.2, NM_020766.3); short protein forms W16C.
Identifiers: ClinVar variation 3341976 (VCV003341976.16).

ClinVar aggregate classification (germline): Uncertain significance (1 of 4 stars; one submission).

gnomAD v4.1: 3 of 1,194,019 alleles (0.00025%); highest among the groups gnomAD compares: Middle Eastern, 0.023%; no homozygotes.

Submission:

CeGaT Center for Human Genetics Tuebingen
Classification: Uncertain significance. Last evaluated: 2026-07-01. Review status: criteria provided, single submitter. Criteria: CeGaT Center For Human Genetics Tuebingen Variant Classification Criteria Version 2. Collection method: clinical testing. Allele origin: germline. Affected: yes. Observed: 2 variant alleles.
Comment: PCDH19: PM2